The following is an entry in ClinVar:

NC_000005.10:g.112850826A>G

Variant type: single nucleotide variant.
Genome position: GRCh38 VCF-style: chr5-112850826-A-G. GRCh37 (hg19) VCF-style: chr5-112186523-A-G.
Identifiers: ClinVar variation 82661 (VCV000082661.3), dbSNP rs77168313, ClinGen allele CA250801.
Genomic context (GRCh38, chr5:112,850,826, plus strand): 5'-AACATGATGACAACATTTGGTACTATAAATAATAACTTTTCCTTTTGTTTTGCACAGACT[A>G]ATTCATCTGTAAAGCACTGGCAGCCTCATTGTTACCATGGTTTTTGTTAATTTCTCTTTG-3'

ClinVar aggregate classification (germline): other (0 of 4 stars; one submission).

Conditions:
Familial colorectal cancer. Identifiers: MedGen CN280943, MONDO:0023113. Disease mechanism: loss of function.

Submission:

Systems Biology Platform Zhejiang California International NanoSystems Institute
Classification: other for Familial colorectal cancer. Review status: no assertion criteria provided. Collection method: not provided. Allele origin: unknown.
ClinVar note: Converted during submission from cancer to other.